The following is an entry in ClinVar:

ClinVar aggregate classification (germline): Uncertain significance (1 of 4 stars; one submission).

Conditions:
Periodic fever-infantile enterocolitis-autoinflammatory syndrome. Also called: Autoinflammation with infantile enterocolitis. Identifiers: Orphanet 436166, MedGen C4015067, MONDO:0014472, OMIM 616050.
Familial cold autoinflammatory syndrome 4 (FCAS4). Identifiers: Orphanet 47045, Orphanet 576349, MedGen C4015276, MONDO:0014498, OMIM 616115.

Allele frequency attached by ClinVar (database versions not stated): gnomAD exomes below 0.00001.
gnomAD v4.1: 1 of 1,610,340 alleles (0.000062%); highest among the groups gnomAD compares: Non-Finnish European, 0.000085%; no homozygotes.

Submission:

Labcorp Genetics (formerly Invitae), Labcorp
Classification: Uncertain significance for Periodic fever-infantile enterocolitis-autoinflammatory syndrome; Familial cold autoinflammatory syndrome 4. Last evaluated: 2025-10-03. Review status: criteria provided, single submitter. Criteria: Invitae Variant Classification Sherloc (09022015). Collection method: clinical testing. Allele origin: germline.
Comment: This sequence change replaces proline, which is neutral and non-polar, with leucine, which is neutral and non-polar, at codon 79 of the NLRC4 protein (p.Pro79Leu). This variant is not present in population databases (gnomAD no frequency). This variant has not been reported in the literature in individuals affected with NLRC4-related conditions. ClinVar contains an entry for this variant (Variation ID: 864742). Invitae Evidence Modeling of protein sequence and biophysical properties (such as structural, functional, and spatial information, amino acid conservation, physicochemical variation, residue mobility, and thermodynamic stability) indicates that this missense variant is not expected to disrupt NLRC4 protein function with a negative predictive value of 80%. In summary, the available evidence is currently insufficient to determine the role of this variant in disease. Therefore, it has been classified as a Variant of Uncertain Significance.

NM_001199138.2(NLRC4):c.236C>T (p.Pro79Leu)

Gene: NLRC4 (NLR family CARD domain containing 4; minus strand). Cytogenetic location: 2p22.3.
Variant type: single nucleotide variant.
Coding change: c.236C>T on transcript NM_001199138.2 (MANE Select); coding-DNA position 236, C replaced by T.
Protein change: p.Pro79Leu; replaces proline 79 with leucine.
Molecular consequence: missense variant.
Genome position (GRCh38, 1-based): chr2:32,252,445, G>A on the plus strand (C>T on the coding strand, the complement: NLRC4 is on the minus strand). VCF-style: chr2-32252445-G-A. GRCh37 (hg19) VCF-style: chr2-32477514-G-A.
Other names: c.236C>T, p.Pro79Leu (NM_001199139.2, NM_001302504.2, NM_021209.5); short protein forms P79L.
Identifiers: ClinVar variation 864742 (VCV000864742.9), dbSNP rs1687099827, ClinGen allele CA346516685.
Genomic context (GRCh38, chr2:32,252,445, plus strand): 5'-TGCAGAAACAGATGCAAAACTAACTGATACTTACTTTGTCCATTCAAGTCCTGAAATAGA[G>A]GATAGTTCCACTCCTTAAGGGATTTAAGAAAGAGGTTACAGGACTCTGAACCCTTTTTCA-3'
Protein context (NP_001186067.1, residues 69-89): FLKSLKEWNY[Pro79Leu]LFQDLNGQSL